The following is an entry in ClinVar:

ClinVar aggregate classification (germline): Uncertain significance. Review status: criteria provided, multiple submitters, no conflicts (2 of 4 stars). 2 submissions from 2 submitters: Uncertain significance (2). Last evaluated 2025-12-08.

Conditions:
Polycystic kidney disease, adult type (PKD1). Also called: Polycystic Kidney Disease 1, Autosomal Dominant; Polycystic kidney disease 1; Polycystic kidney disease 1, severe; POLYCYSTIC KIDNEY DISEASE 1 WITH OR WITHOUT POLYCYSTIC LIVER DISEASE; POLYCYSTIC KIDNEY DISEASE, ADULT, TYPE I; Polycystic Kidney, Autosomal Dominant. Identifiers: MedGen C3149841, MONDO:0008263, OMIM 173900.

gnomAD v4.1: 5 of 1,612,498 alleles (0.00031%); highest among the groups gnomAD compares: African/African-American, 0.0053%; no homozygotes.

Submissions (2):

Women's Health and Genetics/Laboratory Corporation of America, LabCorp
Classification: Uncertain significance. Last evaluated: 2025-12-08. Review status: criteria provided, single submitter. Criteria: LabCorp Variant Classification Summary - May 2015. Collection method: clinical testing. Allele origin: germline.
Comment: Variant summary: PKD1 c.4850T>C (p.Val1617Ala) results in a non-conservative amino acid change in the encoded protein sequence. Algorithms developed to predict the effect of missense changes on protein structure and function are either unavailable or do not agree on the potential impact of this missense change. The variant allele was found at a frequency of 4e-06 in 249390 control chromosomes. The available data on variant occurrences in the general population are insufficient to allow any conclusion about variant significance. To our knowledge, no occurrence of c.4850T>C in individuals affected with PKD1-related conditions and no experimental evidence demonstrating its impact on protein function have been reported. ClinVar contains an entry for this variant (Variation ID: 3579481). Based on the evidence outlined above, the variant was classified as uncertain significance.

Fulgent Genetics
Classification: Uncertain significance for Polycystic kidney disease, adult type. Last evaluated: 2024-03-25. Review status: criteria provided, single submitter. Criteria: ACMG Guidelines, 2015. Collection method: clinical testing. Allele origin: germline.

NM_001009944.3(PKD1):c.4850T>C (p.Val1617Ala)

Gene: PKD1 (polycystin 1, transient receptor potential channel interacting; minus strand). Cytogenetic location: 16p13.3.
Variant type: single nucleotide variant.
Coding change: c.4850T>C on transcript NM_001009944.3 (MANE Select); coding-DNA position 4850, T replaced by C.
Protein change: p.Val1617Ala; replaces valine 1617 with alanine.
Molecular consequence: missense variant.
Genome position (GRCh38, 1-based): chr16:2,110,317, A>G on the plus strand (T>C on the coding strand, the complement: PKD1 is on the minus strand). VCF-style: chr16-2110317-A-G. GRCh37 (hg19) VCF-style: chr16-2160318-A-G.
Other names: c.4850T>C, p.Val1617Ala (NM_000296.4); short protein forms V1617A.
Identifiers: ClinVar variation 3579481 (VCV003579481.2).